The following is an entry in ClinVar:

ClinVar aggregate classification (germline): Uncertain significance (1 of 4 stars; one submission).

Conditions:
Cardiomyopathy (CMYO). Also called: Cardiomyopathies. Identifiers: Orphanet 167848, MedGen C0878544, MONDO:0004994, HP:0001638. Inheritance: Various modes of inheritance.

Submission:

Color Diagnostics, LLC DBA Color Health
Classification: Uncertain significance for Cardiomyopathy. Last evaluated: 2024-03-06. Review status: criteria provided, single submitter. Criteria: ACMG Guidelines, 2015. Collection method: clinical testing. Allele origin: germline.
Comment: This missense variant replaces serine with cysteine at codon 2209 of the DSP protein. Computational prediction suggests that this variant may not impact protein structure and function (internally defined REVEL score threshold <= 0.5, PMID: 27666373). Splice site prediction tools suggest that this variant may not impact RNA splicing. To our knowledge, functional studies have not been performed for this variant. This variant has not been reported in individuals affected with cardiovascular disorders in the literature. This variant has not been identified in the general population by the Genome Aggregation Database (gnomAD). The available evidence is insufficient to determine the role of this variant in disease conclusively. Therefore, this variant is classified as a Variant of Uncertain Significance.

NM_004415.4(DSP):c.6626C>G (p.Ser2209Cys)

Gene: DSP (desmoplakin; plus strand). Cytogenetic location: 6p24.3.
Variant type: single nucleotide variant.
Coding change: c.6626C>G on transcript NM_004415.4 (MANE Select); coding-DNA position 6626, C replaced by G.
Protein change: p.Ser2209Cys; replaces serine 2209 with cysteine.
Molecular consequence: missense variant.
Genome position (GRCh38, 1-based): chr6:7,583,888, C>G. VCF-style: chr6-7583888-C-G. GRCh37 (hg19) VCF-style: chr6-7584121-C-G.
Other names: c.4829C>G, p.Ser1610Cys (NM_001008844.3); c.5297C>G, p.Ser1766Cys (NM_001319034.2); short protein forms S1766C, S1610C, S2209C.
Identifiers: ClinVar variation 918894 (VCV000918894.4), dbSNP rs1759543444, ClinGen allele CA362691197.